The following is an entry in ClinVar:

NM_001267550.2(TTN):c.103145T>C (p.Phe34382Ser)

Genes: TTN (titin; minus strand), TTN-AS1 (TTN antisense RNA 1; plus strand). Cytogenetic location: 2q31.2.
Variant type: single nucleotide variant.
Coding change: c.103145T>C on transcript NM_001267550.2 (MANE Select); coding-DNA position 103145, T replaced by C.
Protein change: p.Phe34382Ser; replaces phenylalanine 34382 with serine.
Molecular consequence: missense variant.
Genome position (GRCh38, 1-based): chr2:178,533,470, A>G on the plus strand (T>C on the coding strand, the complement: TTN is on the minus strand). VCF-style: chr2-178533470-A-G. GRCh37 (hg19) VCF-style: chr2-179398197-A-G.
Other names: c.98222T>C, p.Phe32741Ser (NM_001256850.1); c.75950T>C, p.Phe25317Ser (NM_003319.4); c.95441T>C, p.Phe31814Ser (NM_133378.4); c.76325T>C, p.Phe25442Ser (NM_133432.3); c.76526T>C, p.Phe25509Ser (NM_133437.4); short protein forms F25317S, F25442S, F25509S, F32741S, F31814S, F34382S.
Identifiers: ClinVar variation 1489466 (VCV001489466.6), dbSNP rs2154135165, ClinGen allele CA349415009.

ClinVar aggregate classification (germline): Uncertain significance (1 of 4 stars; one submission).

Conditions:
Dilated cardiomyopathy 1G (CMD1G). Identifiers: Orphanet 154, MedGen C1858763, MONDO:0011400, OMIM 604145.
Autosomal recessive limb-girdle muscular dystrophy type 2J (LGMDR10). Also called: Limb-girdle muscular dystrophy, type 2J; MUSCULAR DYSTROPHY, LIMB-GIRDLE, AUTOSOMAL RECESSIVE 10. Identifiers: Orphanet 140922, MedGen C1837342, MONDO:0012127, OMIM 608807.

Submission:

Labcorp Genetics (formerly Invitae), Labcorp
Classification: Uncertain significance for Dilated cardiomyopathy 1G; Autosomal recessive limb-girdle muscular dystrophy type 2J. Last evaluated: 2021-05-07. Review status: criteria provided, single submitter. Criteria: Invitae Variant Classification Sherloc (09022015). Collection method: clinical testing. Allele origin: germline.
Comment: In summary, the available evidence is currently insufficient to determine the role of this variant in disease. Therefore, it has been classified as a Variant of Uncertain Significance. This variant is located in the M band of TTN (PMID: 25589632). Variants in this region may be relevant for neuromuscular disorders, but have not been definitively shown to cause cardiomyopathy (PMID: 23975875). Experimental studies and prediction algorithms are not available or were not evaluated, and the functional significance of this variant is currently unknown. This variant has not been reported in the literature in individuals with TTN-related conditions. This variant is not present in population databases (ExAC no frequency). This sequence change replaces phenylalanine with serine at codon 34382 of the TTN protein (p.Phe34382Ser). There is a large physicochemical difference between phenylalanine and serine.

Literature cited by the submitters: PubMed 25589632; PubMed 23975875.